The following is an entry in ClinVar:

NM_003159.3(CDKL5):c.2921T>C (p.Met974Thr)

Genes: CDKL5 (cyclin dependent kinase like 5; plus strand), RS1 (retinoschisin 1; minus strand). Cytogenetic location: Xp22.13.
Variant type: single nucleotide variant.
Coding change: c.2921T>C on transcript NM_003159.3; coding-DNA position 2921, T replaced by C.
Protein change: p.Met974Thr; replaces methionine 974 with threonine.
Molecular consequence: missense variant. On other transcripts: intron variant (1).
Genome position (GRCh38, 1-based): chrX:18,650,533, T>C. VCF-style: chrX-18650533-T-C. GRCh37 (hg19) VCF-style: chrX-18668653-T-C.
Other names: c.2921T>C, p.Met974Thr (NM_001037343.2); c.185-3201A>G (NM_000330.4); short protein forms M974T.
Identifiers: ClinVar variation 1387588 (VCV001387588.11), dbSNP rs2147197846, ClinGen allele CA412373664.

ClinVar aggregate classification (germline): Uncertain significance (1 of 4 stars; one submission).

Conditions:
Developmental and epileptic encephalopathy, 1 (DEE1). Also called: X-linked infantile spasms; West's syndrome; Tonic spasms with clustering, arrest of psychomotor development and hypsarrhythmia on EEG; X-Linked Infantile Spasm Syndrome; OHTAHARA SYNDROME, X-LINKED; INFANTILE SPASM SYNDROME, X-LINKED 1. Identifiers: MedGen C3463992, MONDO:0010632, OMIM 308350. Disease mechanism: loss of function.
Angelman syndrome-like. Identifiers: MedGen CN128785.
Developmental and epileptic encephalopathy, 2 (DEE2). Also called: INFANTILE SPASM SYNDROME, X-LINKED 2; CDKL5 deficiency disorder. Identifiers: Orphanet 1934, Orphanet 3451, Orphanet 505652, MedGen C4750718, MONDO:0010396, OMIM 300672.

Allele frequency attached by ClinVar (database versions not stated): gnomAD exomes 0.00001.
gnomAD v4.1: 4 of 1,211,696 alleles (0.00033%); highest among the groups gnomAD compares: East Asian, 0.003%; no homozygotes.

Submission:

Labcorp Genetics (formerly Invitae), Labcorp
Classification: Uncertain significance for Developmental and epileptic encephalopathy, 2; Angelman syndrome-like. Last evaluated: 2023-12-22. Review status: criteria provided, single submitter. Criteria: Invitae Variant Classification Sherloc (09022015). Collection method: clinical testing. Allele origin: germline.
Comment: This sequence change replaces methionine, which is neutral and non-polar, with threonine, which is neutral and polar, at codon 974 of the CDKL5 protein (p.Met974Thr). This variant is not present in population databases (gnomAD no frequency). This variant has not been reported in the literature in individuals affected with CDKL5-related conditions. ClinVar contains an entry for this variant (Variation ID: 1387588). Advanced modeling of protein sequence and biophysical properties (such as structural, functional, and spatial information, amino acid conservation, physicochemical variation, residue mobility, and thermodynamic stability) performed at Invitae indicates that this missense variant is not expected to disrupt CDKL5 protein function with a negative predictive value of 95%. In summary, the available evidence is currently insufficient to determine the role of this variant in disease. Therefore, it has been classified as a Variant of Uncertain Significance.